The following is an entry in ClinVar:

NM_018341.3(ERMARD):c.1978G>A (p.Glu660Lys)

Gene: ERMARD (ER membrane associated RNA degradation; plus strand). Cytogenetic location: 6q27.
Variant type: single nucleotide variant.
Coding change: c.1978G>A on transcript NM_018341.3 (MANE Select); coding-DNA position 1978, G replaced by A.
Protein change: p.Glu660Lys; replaces glutamic acid 660 with lysine.
Molecular consequence: missense variant.
Genome position (GRCh38, 1-based): chr6:169,781,454, G>A. VCF-style: chr6-169781454-G-A. GRCh37 (hg19) VCF-style: chr6-170181550-G-A.
Other names: c.1837G>A, p.Glu613Lys (NM_001278531.2); c.1600G>A, p.Glu534Lys (NM_001278532.2); c.1759G>A, p.Glu587Lys (NM_001278533.2); c.1570G>A, p.Glu524Lys (NM_001410957.1); short protein forms E534K, E613K, E524K, E587K, E660K.
Identifiers: ClinVar variation 1975657 (VCV001975657.5), dbSNP rs2537582101, ClinGen allele CA366505551.

ClinVar aggregate classification (germline): Uncertain significance (1 of 4 stars; one submission).

Submission:

Labcorp Genetics (formerly Invitae), Labcorp
Classification: Uncertain significance. Last evaluated: 2022-12-04. Review status: criteria provided, single submitter. Criteria: Invitae Variant Classification Sherloc (09022015). Collection method: clinical testing. Allele origin: germline.
Comment: In summary, the available evidence is currently insufficient to determine the role of this variant in disease. Therefore, it has been classified as a Variant of Uncertain Significance. Advanced modeling of protein sequence and biophysical properties (such as structural, functional, and spatial information, amino acid conservation, physicochemical variation, residue mobility, and thermodynamic stability) performed at Invitae indicates that this missense variant is not expected to disrupt ERMARD protein function. This variant has not been reported in the literature in individuals affected with ERMARD-related conditions. This variant is not present in population databases (gnomAD no frequency). This sequence change replaces glutamic acid, which is acidic and polar, with lysine, which is basic and polar, at codon 660 of the ERMARD protein (p.Glu660Lys).